The following is an entry in ClinVar:

NM_018206.6(VPS35):c.864G>C (p.Glu288Asp)

Gene: VPS35 (VPS35 retromer complex component; minus strand). Cytogenetic location: 16q11.2.
Variant type: single nucleotide variant.
Coding change: c.864G>C on transcript NM_018206.6 (MANE Select); coding-DNA position 864, G replaced by C.
Protein change: p.Glu288Asp; replaces glutamic acid 288 with aspartic acid.
Molecular consequence: missense variant.
Genome position (GRCh38, 1-based): chr16:46,676,633, C>G on the plus strand (G>C on the coding strand, the complement: VPS35 is on the minus strand). VCF-style: chr16-46676633-C-G. GRCh37 (hg19) VCF-style: chr16-46710545-C-G.
Other names: short protein forms E288D.
Identifiers: ClinVar variation 4538367 (VCV004538367.1).

ClinVar aggregate classification (germline): Uncertain significance (1 of 4 stars; one submission).

Submission:

Greenwood Genetic Center Diagnostic Laboratories, Greenwood Genetic Center
Classification: Uncertain significance. Last evaluated: 2025-04-17. Review status: criteria provided, single submitter. Criteria: ACMG Guidelines, 2015. Collection method: clinical testing. Allele origin: germline. Affected: yes.
Comment: PM2, BP4, PP2